The following is an entry in ClinVar:

NM_001128840.3(CACNA1D):c.3701A>T (p.Asn1234Ile)

Gene: CACNA1D (calcium voltage-gated channel subunit alpha1 D; plus strand). Cytogenetic location: 3p21.1.
Variant type: single nucleotide variant.
Coding change: c.3701A>T on transcript NM_001128840.3 (MANE Select); coding-DNA position 3701, A replaced by T.
Protein change: p.Asn1234Ile; replaces asparagine 1234 with isoleucine.
Molecular consequence: missense variant.
Genome position (GRCh38, 1-based): chr3:53,753,597, A>T. VCF-style: chr3-53753597-A-T. GRCh37 (hg19) VCF-style: chr3-53787624-A-T.
Other names: c.3761A>T (NM_000720.3); c.3761A>T, p.Asn1254Ile (NM_000720.4); c.3701A>T, p.Asn1234Ile (NM_001128839.3); short protein forms N1234I, N1254I.
Identifiers: ClinVar variation 1400322 (VCV001400322.9), dbSNP rs147146258, ClinGen allele CA74876139.

ClinVar aggregate classification (germline): Uncertain significance. Review status: criteria provided, multiple submitters, no conflicts (2 of 4 stars). 2 submissions from 2 submitters: Uncertain significance (2). Last evaluated 2026-02-02.

Conditions:
CACNA1D-related disorder.

gnomAD v4.1: 38 of 1,611,610 alleles (0.0024%); highest among the groups gnomAD compares: Non-Finnish European, 0.0031%; no homozygotes.

Submissions (2):

PreventionGenetics, part of Exact Sciences
Classification: Uncertain significance for CACNA1D-related condition. Last evaluated: 2026-02-02. Review status: criteria provided, single submitter. Criteria: ACMG Guidelines, 2015. Collection method: clinical testing. Allele origin: germline.
Comment: The CACNA1D c.3761A>T variant is predicted to result in the amino acid substitution p.Asn1254Ile. To our knowledge, this variant has not been reported in the literature. This variant is reported in 0.0023% of alleles in individuals of European (Non-Finnish) descent in gnomAD. At this time, the clinical significance of this variant is uncertain due to the absence of conclusive functional and genetic evidence.

Labcorp Genetics (formerly Invitae), Labcorp
Classification: Uncertain significance. Last evaluated: 2026-01-12. Review status: criteria provided, single submitter. Criteria: Invitae Variant Classification Sherloc (09022015). Collection method: clinical testing. Allele origin: germline.
Comment: This sequence change replaces asparagine, which is neutral and polar, with isoleucine, which is neutral and non-polar, at codon 1254 of the CACNA1D protein (p.Asn1254Ile). This variant is present in population databases (rs147146258, gnomAD 0.002%). This variant has not been reported in the literature in individuals affected with CACNA1D-related conditions. ClinVar contains an entry for this variant (Variation ID: 1400322). Invitae Evidence Modeling of protein sequence and biophysical properties (such as structural, functional, and spatial information, amino acid conservation, physicochemical variation, residue mobility, and thermodynamic stability) indicates that this missense variant is not expected to disrupt CACNA1D protein function with a negative predictive value of 80%. In summary, the available evidence is currently insufficient to determine the role of this variant in disease. Therefore, it has been classified as a Variant of Uncertain Significance.